The following is an entry in ClinVar:

ClinVar aggregate classification (germline): Uncertain significance. Review status: criteria provided, multiple submitters, no conflicts (2 of 4 stars). 3 submissions from 3 submitters: Uncertain significance (3). Last evaluated 2025-09-01.

Conditions:
Cardiomyopathy (CMYO). Also called: Cardiomyopathies. Identifiers: Orphanet 167848, MedGen C0878544, MONDO:0004994, HP:0001638. Inheritance: Various modes of inheritance.
Familial isolated arrhythmogenic right ventricular dysplasia. Identifiers: Orphanet 217656, MedGen C4274968, MONDO:0016342.
Arrhythmogenic right ventricular dysplasia 11. Also called: Arrhythmogenic Right Ventricular Dysplasia/Cardiomyopathy11; ARRHYTHMOGENIC RIGHT VENTRICULAR DYSPLASIA, FAMILIAL, 11; Arrhythmogenic right ventricular dysplasia 11 with mild palmoplantar keratoderma and woolly hair. Identifiers: MedGen C1864850, MONDO:0012506, OMIM 610476.

gnomAD v4.1: 12 of 1,613,968 alleles (0.00074%); highest among the groups gnomAD compares: Non-Finnish European, 0.001%; no homozygotes.

Submissions (3):

Color Diagnostics, LLC DBA Color Health
Classification: Uncertain significance for Cardiomyopathy. Last evaluated: 2025-09-01. Review status: criteria provided, single submitter. Criteria: ACMG Guidelines, 2015. Collection method: clinical testing. Allele origin: germline.
Comment: This missense variant replaces isoleucine with valine at codon 594 of the DSC2 protein. Computational prediction suggests that this variant may not impact protein structure and function. To our knowledge, functional studies have not been reported for this variant. This variant has not been reported in individuals affected with DSC2-related disorders in the literature. This variant has been identified in 2/251070 chromosomes in the general population by the Genome Aggregation Database (gnomAD). The available evidence is insufficient to determine the role of this variant in disease conclusively. Therefore, this variant is classified as a Variant of Uncertain Significance.

All of Us Research Program, National Institutes of Health
Classification: Uncertain significance for Familial isolated arrhythmogenic right ventricular dysplasia. Last evaluated: 2023-08-15. Review status: criteria provided, single submitter. Criteria: ACMG Guidelines, 2015. Collection method: clinical testing. Allele origin: germline. Inheritance: Autosomal dominant inheritance. Observed: 1 variant allele, 1 heterozygote.
Comment: This study involves interpretation of variants in research participants for the purpose of population health screening. Participant phenotype was not available at the time of variant classification. Additional details can be found in publication PMID: 35346344, PMCID: PMC8962531

Labcorp Genetics (formerly Invitae), Labcorp
Classification: Uncertain significance for Arrhythmogenic right ventricular dysplasia 11. Last evaluated: 2021-08-24. Review status: criteria provided, single submitter. Criteria: Invitae Variant Classification Sherloc (09022015). Collection method: clinical testing. Allele origin: germline.
Comment: This sequence change replaces isoleucine with valine at codon 594 of the DSC2 protein (p.Ile594Val). The isoleucine residue is moderately conserved and there is a small physicochemical difference between isoleucine and valine. This variant is not present in population databases (ExAC no frequency). This variant has not been reported in the literature in individuals affected with DSC2-related conditions. Algorithms developed to predict the effect of missense changes on protein structure and function (SIFT, PolyPhen-2, Align-GVGD) all suggest that this variant is likely to be tolerated. Algorithms developed to predict the effect of sequence changes on RNA splicing suggest that this variant may create or strengthen a splice site. In summary, the available evidence is currently insufficient to determine the role of this variant in disease. Therefore, it has been classified as a Variant of Uncertain Significance.

NM_024422.6(DSC2):c.1780A>G (p.Ile594Val)

Gene: DSC2 (desmocollin 2; minus strand). Cytogenetic location: 18q12.1.
Variant type: single nucleotide variant.
Coding change: c.1780A>G on transcript NM_024422.6 (MANE Select); coding-DNA position 1780, A replaced by G.
Protein change: p.Ile594Val; replaces isoleucine 594 with valine.
Molecular consequence: missense variant.
Genome position (GRCh38, 1-based): chr18:31,074,791, T>C on the plus strand (A>G on the coding strand, the complement: DSC2 is on the minus strand). VCF-style: chr18-31074791-T-C. GRCh37 (hg19) VCF-style: chr18-28654757-T-C.
Other names: c.1780A>G, p.Ile594Val (NM_004949.5); short protein forms I594V.
Identifiers: ClinVar variation 998449 (VCV000998449.7), dbSNP rs1365493039, ClinGen allele CA402114041.